The following is an entry in ClinVar:

NM_001365276.2(TNXB):c.7078G>A (p.Gly2360Ser)

Gene: TNXB (tenascin XB; minus strand). Cytogenetic location: 6p21.33.
Variant type: single nucleotide variant.
Coding change: c.7078G>A on transcript NM_001365276.2 (MANE Select); coding-DNA position 7078, G replaced by A.
Protein change: p.Gly2360Ser; replaces glycine 2360 with serine.
Molecular consequence: missense variant.
Genome position (GRCh38, 1-based): chr6:32,062,247, C>T on the plus strand (G>A on the coding strand, the complement: TNXB is on the minus strand). VCF-style: chr6-32062247-C-T. GRCh37 (hg19) VCF-style: chr6-32030024-C-T.
Other names: c.7078G>A, p.Gly2360Ser (NM_019105.8); short protein forms G2360S.
Identifiers: ClinVar variation 2560876 (VCV002560876.6), dbSNP rs371622048, ClinGen allele CA3734263.
Genomic context (GRCh38, chr6:32,062,247, plus strand): 5'-CACGCTGGCCACCGTGGAAGCCGTACAGGTTCATCTTGTACTTGTTGTCTGGCTCCAGGC[C>T]GGAGATGGTGACCCTGTCCTCATGTCCTGGCACCCGTGTTGCCTTGGGCTGCCCATCCCC-3'
Protein context (NP_001352205.1, residues 2350-2370): PGHEDRVTIS[Gly2360Ser]LEPDNKYKMN

ClinVar aggregate classification (germline): Uncertain significance. Review status: criteria provided, multiple submitters, no conflicts (2 of 4 stars). 3 submissions from 3 submitters: Uncertain significance (3). Last evaluated 2026-09-10.

Conditions:
Cardiovascular phenotype. Identifiers: MedGen CN230736.

Allele frequency attached by ClinVar (database versions not stated): gnomAD 0.00003; ExAC 0.00005; ESP Exome Variant Server 0.00013.
gnomAD v4.1: 23 of 1,613,112 alleles (0.0014%); highest among the groups gnomAD compares: African/African-American, 0.004%; no homozygotes.

Submissions (3):

GeneDx
Classification: Uncertain significance. Last evaluated: 2026-09-10. Review status: criteria provided, single submitter. Criteria: GeneDx Variant Classification Process June 2021. Collection method: clinical testing. Allele origin: germline.
Comment: Has not been previously published as pathogenic or benign to our knowledge; In silico analysis suggests that this missense variant does not alter protein structure/function

Women's Health and Genetics/Laboratory Corporation of America, LabCorp
Classification: Uncertain significance. Last evaluated: 2025-09-03. Review status: criteria provided, single submitter. Criteria: LabCorp Variant Classification Summary - May 2015. Collection method: clinical testing. Allele origin: germline.
Comment: Variant summary: TNXB c.7078G>A (p.Gly2360Ser) results in a non-conservative amino acid change in the encoded protein sequence. Algorithms developed to predict the effect of missense changes on protein structure and function are either unavailable or do not agree on the potential impact of this missense change. The variant allele was found at a frequency of 2.8e-05 in 247450 control chromosomes. The available data on variant occurrences in the general population are insufficient to allow any conclusion about variant significance. To our knowledge, no occurrence of c.7078G>A in individuals affected with TNXB-related conditions and no experimental evidence demonstrating its impact on protein function have been reported. ClinVar contains an entry for this variant (Variation ID: 2560876). Based on the evidence outlined above, the variant was classified as uncertain significance.

Ambry Genetics
Classification: Uncertain significance for Cardiovascular phenotype. Last evaluated: 2024-11-07. Review status: criteria provided, single submitter. Criteria: Ambry Variant Classification Scheme 2023. Collection method: clinical testing. Allele origin: germline.